The following is an entry in ClinVar:

NM_001386140.1(MTTP):c.923G>A (p.Trp308Ter)

Gene: MTTP (microsomal triglyceride transfer protein; plus strand). Cytogenetic location: 4q23.
Variant type: single nucleotide variant.
Coding change: c.923G>A on transcript NM_001386140.1 (MANE Select); coding-DNA position 923, G replaced by A.
Protein change: p.Trp308Ter; replaces tryptophan 308 with a stop codon.
Molecular consequence: nonsense.
Genome position (GRCh38, 1-based): chr4:99,597,080, G>A. VCF-style: chr4-99597080-G-A. GRCh37 (hg19) VCF-style: chr4-100518237-G-A.
Other names: c.923G>A, p.Trp308Ter (NM_000253.4); c.674G>A, p.Trp225Ter (NM_001300785.2); short protein forms W225*, W308*.
Identifiers: ClinVar variation 5010601 (VCV005010601.1).
Genomic context (GRCh38, chr4:99,597,080, plus strand): 5'-GTTCACAGTTATGAGTGGGGTATGAGCCTGCAGTGTATGTTTTGCAGCTCTCGGAGCTCT[G>A]GCGGTCCACCAGGAAATACCTGCAGCCTGACAACCTTTCCAAGGCTGAGGCTGTCAGAAA-3'

ClinVar aggregate classification (germline): Pathogenic (1 of 4 stars; one submission).

Conditions:
Abetalipoproteinaemia (ABL). Also called: MTP DEFICIENCY; Abetalipoproteinemia; Abetalipoproteinemia neuropathy; Apolipoprotein B deficiency; Congenital betalipoprotein deficiency syndrome. Identifiers: Orphanet 14, MedGen C0000744, MONDO:0008692, OMIM 200100, HP:0008181.

Submission:

Myriad Genetics, Inc.
Classification: Pathogenic for Abetalipoproteinaemia. Last evaluated: 2024-05-14. Review status: criteria provided, single submitter. Criteria: Myriad Autosomal Dominant, Autosomal Recessive and X-Linked Classification Criteria (2023). Collection method: clinical testing. Allele origin: unknown.
Comment: NM_000253.2(MTTP):c.923G>A(W308*) is expected to be pathogenic in the context of abetalipoproteinemia. This variant is predicted to lead to an abnormal or absent protein product due to the creation of a premature termination codon in MTTP, a gene where loss-of-function variants are known to be pathogenic. Please note: this variant was assessed in the context of healthy population screening.